The following is an entry in ClinVar:

NM_004527.4(MEOX1):c.551G>A (p.Arg184Gln)

Gene: MEOX1 (mesenchyme homeobox 1; minus strand). Cytogenetic location: 17q21.31.
Variant type: single nucleotide variant.
Coding change: c.551G>A on transcript NM_004527.4 (MANE Select); coding-DNA position 551, G replaced by A.
Protein change: p.Arg184Gln; replaces arginine 184 with glutamine.
Molecular consequence: missense variant. On other transcripts: intron variant (1).
Genome position (GRCh38, 1-based): chr17:43,643,579, C>T on the plus strand (G>A on the coding strand, the complement: MEOX1 is on the minus strand). VCF-style: chr17-43643579-C-T. GRCh37 (hg19) VCF-style: chr17-41720947-C-T.
Other names: c.206G>A, p.Arg69Gln (NM_001040002.2); c.470-1547G>A (NM_013999.4); c.551G>A (NM_004527.3); short protein forms R69Q, R184Q.
Identifiers: ClinVar variation 1496539 (VCV001496539.7), dbSNP rs142958823, ClinGen allele CA8592595.

ClinVar aggregate classification (germline): Conflicting classifications of pathogenicity. Review status: criteria provided, conflicting classifications (1 of 4 stars). 2 submissions from 2 submitters: Uncertain significance (1); Likely benign (1). Last evaluated 2024-12-30.

Conditions:
MEOX1-related disorder. Also called: MEOX1-related condition.

Allele frequency attached by ClinVar (database versions not stated): ExAC 0.00005; gnomAD exomes 0.00006 and 0.00010; ESP Exome Variant Server 0.00008; TOPMed 0.00008; gnomAD 0.00009.
gnomAD v4.1: 99 of 1,612,762 alleles (0.0061%); highest among the groups gnomAD compares: South Asian, 0.0033%; no homozygotes.

Submissions (2):

PreventionGenetics, part of Exact Sciences
Classification: Likely benign for MEOX1-related condition. Last evaluated: 2024-12-30. Review status: criteria provided, single submitter. Criteria: ACMG Guidelines, 2015. Collection method: clinical testing. Allele origin: germline.
Comment: This variant is classified as likely benign based on ACMG/AMP sequence variant interpretation guidelines (Richards et al. 2015 PMID: 25741868, with internal and published modifications).

Labcorp Genetics (formerly Invitae), Labcorp
Classification: Uncertain significance. Last evaluated: 2023-08-04. Review status: criteria provided, single submitter. Criteria: Invitae Variant Classification Sherloc (09022015). Collection method: clinical testing. Allele origin: germline.
Comment: This sequence change replaces arginine, which is basic and polar, with glutamine, which is neutral and polar, at codon 184 of the MEOX1 protein (p.Arg184Gln). In summary, the available evidence is currently insufficient to determine the role of this variant in disease. Therefore, it has been classified as a Variant of Uncertain Significance. An algorithm developed to predict the effect of missense changes on protein structure and function (PolyPhen-2) suggests that this variant¬†is likely to be tolerated. ClinVar contains an entry for this variant (Variation ID: 1496539). This variant has not been reported in the literature in individuals affected with MEOX1-related conditions. This variant is present in population databases (rs142958823, gnomAD 0.2%).